The following is an entry in ClinVar:

ClinVar aggregate classification (germline): Likely benign. Review status: criteria provided, multiple submitters, no conflicts (2 of 4 stars). 7 submissions from 7 submitters: Likely benign (7). Last evaluated 2026-08-01.

Conditions:
RYR1-related disorder. Also called: RYR1-related disorders; RYR1-related condition. Identifiers: MedGen CN239331.
Malignant hyperthermia, susceptibility to, 1 (MHS1). Also called: RYR1-Related Malignant Hyperthermia Susceptibility; Malignant hyperthermia suceptibility 1; Anesthesia related hyperthermia; Malignant hyperpyrexia; Fulminating hyperpyrexia; Pharmacogenic myopathy. Identifiers: Orphanet 423, MedGen C2930980, MONDO:0007783, OMIM 145600.

Allele frequency attached by ClinVar (database versions not stated): ExAC 0.00015; gnomAD exomes 0.00016 and 0.00003; 1000 Genomes Project 30x 0.00109; TOPMed 0.00005; gnomAD 0.00006 and 0.00011; ESP Exome Variant Server 0.00008; 1000 Genomes Project 0.00120.
gnomAD v4.1: 63 of 1,614,196 alleles (0.0039%); highest among the groups gnomAD compares: East Asian, 0.12%; no homozygotes.

Submissions (7):

CeGaT Center for Human Genetics Tuebingen
Classification: Likely benign. Last evaluated: 2026-08-01. Review status: criteria provided, single submitter. Criteria: CeGaT Center For Human Genetics Tuebingen Variant Classification Criteria Version 2. Collection method: clinical testing. Allele origin: germline. Affected: yes. Observed: 2 variant alleles.
Comment: RYR1: BP4, BP7

Labcorp Genetics (formerly Invitae), Labcorp
Classification: Likely benign for RYR1-related disorder. Last evaluated: 2025-11-12. Review status: criteria provided, single submitter. Criteria: Invitae Variant Classification Sherloc (09022015). Collection method: clinical testing. Allele origin: germline.

All of Us Research Program, National Institutes of Health
Classification: Likely benign for Malignant hyperthermia, susceptibility to, 1. Last evaluated: 2023-11-30. Review status: criteria provided, single submitter. Criteria: ACMG Guidelines, 2015. Collection method: clinical testing. Allele origin: germline. Inheritance: Autosomal dominant inheritance. Observed: 13 variant alleles, 13 heterozygotes.
Comment: This study involves interpretation of variants in research participants for the purpose of population health screening. Participant phenotype was not available at the time of variant classification. Additional details can be found in publication PMID: 35346344, PMCID: PMC8962531

Blueprint Genetics
Classification: Likely benign. Last evaluated: 2023-05-31. Review status: criteria provided, single submitter. Criteria: ACMG Guidelines, 2015. Collection method: clinical testing. Allele origin: germline.

Color Diagnostics, LLC DBA Color Health
Classification: Likely benign for Malignant hyperthermia, susceptibility to, 1. Last evaluated: 2022-11-06. Review status: criteria provided, single submitter. Criteria: ACMG Guidelines, 2015. Collection method: clinical testing. Allele origin: germline.

PreventionGenetics, part of Exact Sciences
Classification: Likely benign. Last evaluated: 2018-06-13. Review status: criteria provided, single submitter. Criteria: ACMG Guidelines, 2015. Collection method: clinical testing. Allele origin: germline.

GeneDx
Classification: Likely benign. Last evaluated: 2018-03-16. Review status: criteria provided, single submitter. Criteria: GeneDx Variant Classification (06012015). Collection method: clinical testing. Allele origin: germline. Affected: yes.
Comment: This variant is considered likely benign or benign based on one or more of the following criteria: it is a conservative change, it occurs at a poorly conserved position in the protein, it is predicted to be benign by multiple in silico algorithms, and/or has population frequency not consistent with disease.

NM_000540.3(RYR1):c.14451C>T (p.Ile4817=)

Gene: RYR1 (ryanodine receptor 1; plus strand). Cytogenetic location: 19q13.2.
Variant type: single nucleotide variant.
Coding change: c.14451C>T on transcript NM_000540.3 (MANE Select); coding-DNA position 14451, C replaced by T.
Protein change: p.Ile4817=; no amino-acid change (isoleucine 4817 retained).
Molecular consequence: synonymous variant.
Genome position (GRCh38, 1-based): chr19:38,580,068, C>T. VCF-style: chr19-38580068-C-T. GRCh37 (hg19) VCF-style: chr19-39070708-C-T.
Other names: c.14436C>T, p.Ile4812= (NM_001042723.2).
Identifiers: ClinVar variation 390365 (VCV000390365.38), dbSNP rs200442804, ClinGen allele CA061300.